The following is an entry in ClinVar:

ClinVar aggregate classification (germline): Conflicting classifications of pathogenicity. Review status: criteria provided, conflicting classifications (1 of 4 stars). 14 submissions from 14 submitters: Pathogenic (3); Likely pathogenic (7); Uncertain significance (1). 3 of the submissions do not count toward it. Last evaluated 2026-03-05.

Conditions:
Inborn genetic diseases. Identifiers: MedGen C0950123, MeSH D030342.
BTD-related disorder. Also called: BTD-related condition.
Biotinidase deficiency. Also called: BTD deficiency; Late-onset biotin-responsive multiple carboxylase deficiency; Biotin deficiency. Identifiers: Orphanet 79241, MedGen C0220754, MONDO:0009665, OMIM 253260.

Allele frequency attached by ClinVar (database versions not stated): gnomAD exomes 0.00004 and 0.00006; ExAC 0.00005; gnomAD 0.00005 and 0.00007; TOPMed 0.00007; ESP Exome Variant Server 0.00008.
gnomAD v4.1: 67 of 1,613,982 alleles (0.0042%); highest among the groups gnomAD compares: Middle Eastern, 0.049%; no homozygotes.

Submissions (14):

Mendelics
Classification: Pathogenic for Biotinidase deficiency. Last evaluated: 2026-03-05. Review status: criteria provided, single submitter. Criteria: ACMG Guidelines, 2015. Collection method: clinical testing. Allele origin: unknown.
Comment: Likely pathogenic/Pathogenic according to ACMG criteria.

GeneDx
Classification: Likely pathogenic. Last evaluated: 2025-10-28. Review status: criteria provided, single submitter. Criteria: GeneDx Variant Classification Process June 2021. Collection method: clinical testing. Allele origin: germline. Affected: yes.
Comment: Not observed at significant frequency in large population cohorts (gnomAD); In silico analysis supports that this missense variant has a deleterious effect on protein structure/function; Also known as c.625 C>T, p.(R209C); This variant is associated with the following publications: (PMID: 27760515, 34426522, 34271776, 36684547, 39688110, 39033936, 29353266, 26810761, 38299772, 39461572, 39582447, 41007772, 33189081)

CeGaT Center for Human Genetics Tuebingen
Classification: Likely pathogenic. Last evaluated: 2025-09-01. Review status: criteria provided, single submitter. Criteria: CeGaT Center For Human Genetics Tuebingen Variant Classification Criteria Version 2. Collection method: clinical testing. Allele origin: germline. Affected: yes. Observed: 3 variant alleles.
Comment: BTD: PM2, PM3, PM5

Natera, Inc.
Classification: Likely pathogenic for Biotinidase deficiency. Last evaluated: 2025-06-23. Review status: criteria provided, single submitter. Criteria: Natera Variant Classification Schema (03/2026). Collection method: clinical testing. Allele origin: germline.
Comment: The c.565C>T variant in BTD is a missense variant predicted to cause substitution of arginine to cysteine at amino acid 189. This variant is rare in the general population with a frequency below the threshold expected for the associated phenotype(s). This variant has been observed in one or more individuals affected with the associated recessive disease, as either homozygous or compound heterozygous with a second variant (PMID: 33189081, 26810761, 35195902, 39033936, 38299772). A different variant at the same position has been determined to be Pathogenic or Likely Pathogenic. Computational prediction algorithms indicate this variant is likely to affect gene or protein function. Given the available evidence, this variant is classified as Likely Pathogenic.

Women's Health and Genetics/Laboratory Corporation of America, LabCorp
Classification: Pathogenic for Biotinidase deficiency. Last evaluated: 2025-05-23. Review status: criteria provided, single submitter. Criteria: LabCorp Variant Classification Summary - May 2015. Collection method: clinical testing. Allele origin: germline.
Comment: Variant summary: BTD c.565C>T (p.Arg189Cys) results in a non-conservative amino acid change in the encoded protein sequence. Algorithms developed to predict the effect of missense changes on protein structure and function all suggest that this variant is likely to be disruptive. The variant allele was found at a frequency of 5.6e-05 in 251480 control chromosomes. This frequency is not significantly higher than estimated for a pathogenic variant in BTD causing Biotinidase Deficiency (5.6e-05 vs 0.0046), allowing no conclusion about variant significance. c.565C>T has been observed in multiple individuals affected with Biotinidase Deficiency (e.g., Procter_2016, SekerYilmaz_2018, Tanyalcin_2016, Ercan_2020, Karaoglan_2021, Yilmaz_2024, internal data). These data indicate that the variant is very likely to be associated with disease. The following publications have been ascertained in the context of this evaluation (PMID: 26810761, 29353266, 27760515, 33189081, 33217065, 38141137). ClinVar contains an entry for this variant (Variation ID: 458809). Based on the evidence outlined above, the variant was classified as pathogenic.

Labcorp Genetics (formerly Invitae), Labcorp
Classification: Pathogenic for Biotinidase deficiency. Last evaluated: 2025-03-03. Review status: criteria provided, single submitter. Criteria: Invitae Variant Classification Sherloc (09022015). Collection method: clinical testing. Allele origin: germline.
Comment: This sequence change replaces arginine, which is basic and polar, with cysteine, which is neutral and slightly polar, at codon 209 of the BTD protein (p.Arg209Cys). This variant is present in population databases (rs369102875, gnomAD 0.008%). This missense change has been observed in individuals with biotinidase deficiency (PMID: 26810761, 33189081; internal data). ClinVar contains an entry for this variant (Variation ID: 458809). Invitae Evidence Modeling of protein sequence and biophysical properties (such as structural, functional, and spatial information, amino acid conservation, physicochemical variation, residue mobility, and thermodynamic stability) indicates that this missense variant is expected to disrupt BTD protein function with a positive predictive value of 95%. This variant disrupts the p.Arg209 amino acid residue in BTD. Other variant(s) that disrupt this residue have been determined to be pathogenic (PMID: 24797656, 25754625, 26361991). This suggests that this residue is clinically significant, and that variants that disrupt this residue are likely to be disease-causing. For these reasons, this variant has been classified as Pathogenic.

PreventionGenetics, part of Exact Sciences
Classification: Likely pathogenic for BTD-related condition. Last evaluated: 2024-10-24. Review status: criteria provided, single submitter. Criteria: ACMG Guidelines, 2015. Collection method: clinical testing. Allele origin: germline.
Comment: The BTD c.625C>T variant is predicted to result in the amino acid substitution p.Arg209Cys. This variant has been reported in the compound heterozygous state in in at least one individual with biotinidase deficiency and in the homozygous state in two asymptomatic newborns (Procter et al. 2016. PubMed ID: 26810761; Tanyalcin et al. 2016. PubMed ID: 27760515; Ercan et al. 2020. PubMed ID: 33189081; Seker Yilmaz et al. 2018. PubMed ID: 29353266; Forny et al. 2022. PubMed ID: 35195902). An alternate nucleotide change affecting the same amino acid (p.Arg209His) has been reported in individuals with biotinidase deficiency (Gannavarapu et al. 2015. PubMed ID: 26361991; Li et al. 2014. PubMed ID: 24797656; Karaca et al. 2015. PubMed ID: 25754625; Al-Jasmi et al. 2015. PubMed ID: 26589311). This variant is reported in 0.0080% of alleles in individuals of African descent in gnomAD. This variant is interpreted as likely pathogenic.

Baylor Genetics
Classification: Likely pathogenic for Biotinidase deficiency. Last evaluated: 2024-03-24. Review status: criteria provided, single submitter. Criteria: ACMG Guidelines, 2015. Collection method: clinical testing. Allele origin: unknown.

Fulgent Genetics
Classification: Likely pathogenic for Biotinidase deficiency. Last evaluated: 2024-01-05. Review status: criteria provided, single submitter. Criteria: ACMG Guidelines, 2015. Collection method: clinical testing. Allele origin: germline.

Department of Pathology and Laboratory Medicine, Sinai Health System
Classification: Likely pathogenic for Biotinidase deficiency. Last evaluated: 2023-06-29. Review status: criteria provided, single submitter. Criteria: ACMG Guidelines, 2015. Collection method: research. Allele origin: germline.

Blueprint Genetics
Classification: Uncertain significance. Last evaluated: 2021-03-11. Review status: criteria provided, single submitter. Criteria: ACMG Guidelines, 2015. Collection method: clinical testing. Allele origin: germline.

Ambry Genetics
Classification: Uncertain significance for Inborn genetic diseases. Last evaluated: 2022-09-19. Review status: flagged submission. Criteria: Ambry Variant Classification Scheme 2023. Collection method: clinical testing. Allele origin: germline. Not counted in ClinVar's aggregate classification.
ClinVar note: Reason: Outlier claim with insufficient supporting evidence

Genome-Nilou Lab
Classification: Uncertain significance for Biotinidase deficiency. Last evaluated: 2021-05-18. Review status: flagged submission. Criteria: ACMG Guidelines, 2015. Collection method: clinical testing. Allele origin: germline. Affected: no. Not counted in ClinVar's aggregate classification.
ClinVar note: Reason: Outlier claim with insufficient supporting evidence

Counsyl
Classification: Uncertain significance for Biotinidase deficiency. Last evaluated: 2017-10-05. Review status: flagged submission. Collection method: clinical testing. Allele origin: unknown. Not counted in ClinVar's aggregate classification.
ClinVar note: Reason: Older and outlier claim with insufficient supporting evidence

Literature cited by the submitters: PubMed 33189081 (cited by 3 submitters); PubMed 26810761 (cited by 5 submitters); PubMed 35195902 (cited by Natera, Inc.); PubMed 39033936 (cited by Natera, Inc.); PubMed 38299772 (cited by Natera, Inc.); PubMed 29353266 (cited by Women's Health and Genetics/Laboratory Corporation of America, LabCorp); PubMed 27760515 (cited by Women's Health and Genetics/Laboratory Corporation of America, LabCorp and Counsyl); PubMed 33217065 (cited by Women's Health and Genetics/Laboratory Corporation of America, LabCorp); PubMed 38141137 (cited by Women's Health and Genetics/Laboratory Corporation of America, LabCorp); PubMed 24797656 (cited by Labcorp Genetics (formerly Invitae), Labcorp); PubMed 25754625 (cited by Labcorp Genetics (formerly Invitae), Labcorp); PubMed 26361991 (cited by Labcorp Genetics (formerly Invitae), Labcorp); PubMed 23971085 (cited by Counsyl).

NM_001370658.1(BTD):c.565C>T (p.Arg189Cys)

Gene: BTD (biotinidase; plus strand). Cytogenetic location: 3p25.1.
Variant type: single nucleotide variant.
Coding change: c.565C>T on transcript NM_001370658.1 (MANE Select); coding-DNA position 565, C replaced by T.
Protein change: p.Arg189Cys; replaces arginine 189 with cysteine.
Molecular consequence: missense variant. On other transcripts: intron variant (1).
Genome position (GRCh38, 1-based): chr3:15,644,481, C>T. VCF-style: chr3-15644481-C-T. GRCh37 (hg19) VCF-style: chr3-15685988-C-T.
Other names: c.565C>T, p.Arg189Cys (NM_001407368.1, NM_001407369.1, NM_001407370.1 and 18 more transcripts); c.625C>T, p.Arg209Cys (NM_000060.4); c.399+2424C>T (NM_001370753.1); short protein forms R189C.
Identifiers: ClinVar variation 458809 (VCV000458809.44), dbSNP rs369102875, ClinGen allele CA2277351.